The following is an entry in ClinVar:

NM_001430.5(EPAS1):c.1445C>A (p.Pro482His)

Gene: EPAS1 (endothelial PAS domain protein 1; plus strand). Cytogenetic location: 2p21.
Variant type: single nucleotide variant.
Coding change: c.1445C>A on transcript NM_001430.5 (MANE Select); coding-DNA position 1445, C replaced by A.
Protein change: p.Pro482His; replaces proline 482 with histidine.
Molecular consequence: missense variant.
Genome position (GRCh38, 1-based): chr2:46,378,658, C>A. VCF-style: chr2-46378658-C-A. GRCh37 (hg19) VCF-style: chr2-46605797-C-A.
Other names: short protein forms P482H.
Identifiers: ClinVar variation 1772782 (VCV001772782.2), dbSNP rs2546474493, ClinGen allele CA346704115.
Genomic context (GRCh38, chr2:46,378,658, plus strand): 5'-ACTTCTGGGGAGACCAGTGCCATATCTTTGACTCTGTCCCCCTCCTTCCTGGCCCCTAGC[C>A]CAATAGCCCTGAAGACTATTACACATCTTTGGATAACGACCTGAAGATTGAAGTGATTGA-3'
Protein context (NP_001421.2, residues 472-492): ATSSSSSCST[Pro482His]NSPEDYYTSL

ClinVar aggregate classification (germline): Uncertain significance (1 of 4 stars; one submission).

Conditions:
Inborn genetic diseases. Identifiers: MedGen C0950123, MeSH D030342.

Submission:

Ambry Genetics
Classification: Uncertain significance for Inborn genetic diseases. Last evaluated: 2021-12-22. Review status: criteria provided, single submitter. Criteria: Ambry Variant Classification Scheme 2023. Collection method: clinical testing. Allele origin: germline.
Comment: The p.P482H variant (also known as c.1445C>A), located in coding exon 11 of the EPAS1 gene, results from a C to A substitution at nucleotide position 1445. The proline at codon 482 is replaced by histidine, an amino acid with similar properties. This amino acid position is conserved. In addition, the in silico prediction for this alteration is inconclusive. Since supporting evidence is limited at this time, the clinical significance of this alteration remains unclear.